The following is an entry in ClinVar:

NM_004336.5(BUB1):c.1930A>G (p.Asn644Asp)

Gene: BUB1 (BUB1 mitotic checkpoint serine/threonine kinase; minus strand). Cytogenetic location: 2q13.
Variant type: single nucleotide variant.
Coding change: c.1930A>G on transcript NM_004336.5 (MANE Select); coding-DNA position 1930, A replaced by G.
Protein change: p.Asn644Asp; replaces asparagine 644 with aspartic acid.
Molecular consequence: missense variant.
Genome position (GRCh38, 1-based): chr2:110,653,470, T>C on the plus strand (A>G on the coding strand, the complement: BUB1 is on the minus strand). VCF-style: chr2-110653470-T-C. GRCh37 (hg19) VCF-style: chr2-111411047-T-C.
Other names: c.1870A>G, p.Asn624Asp (NM_001278616.2); c.1930A>G, p.Asn644Asp (NM_001278617.2); short protein forms N624D, N644D.
Identifiers: ClinVar variation 1782877 (VCV001782877.2), dbSNP rs2467996402, ClinGen allele CA348210286.

ClinVar aggregate classification (germline): Uncertain significance (1 of 4 stars; one submission).

Submission:

Ambry Genetics
Classification: Uncertain significance. Last evaluated: 2023-11-18. Review status: criteria provided, single submitter. Criteria: Ambry Variant Classification Scheme 2023. Collection method: clinical testing. Allele origin: germline.
Comment: The p.N644D variant (also known as c.1930A>G), located in coding exon 17 of the BUB1 gene, results from an A to G substitution at nucleotide position 1930. The asparagine at codon 644 is replaced by aspartic acid, an amino acid with highly similar properties. This amino acid position is conserved. In addition, this alteration is predicted to be tolerated by in silico analysis. Since supporting evidence is limited at this time, the clinical significance of this alteration remains unclear.